The following is an entry in ClinVar:

ClinVar aggregate classification (germline): Uncertain significance. Review status: criteria provided, multiple submitters, no conflicts (2 of 4 stars). 2 submissions from 2 submitters: Uncertain significance (2). Last evaluated 2025-10-29.

Conditions:
Hereditary cancer-predisposing syndrome. Also called: Neoplastic Syndromes, Hereditary; Tumor predisposition; Hereditary Cancer Syndrome; Hereditary neoplastic syndrome. Identifiers: Orphanet 140162, MedGen C0027672, MeSH D009386, MONDO:0015356.

Allele frequency attached by ClinVar (database versions not stated): gnomAD exomes below 0.00001.
gnomAD v4.1: 1 of 1,613,796 alleles (0.000062%); highest among the groups gnomAD compares: Non-Finnish European, 0.000085%; no homozygotes.

Submissions (2):

Ambry Genetics
Classification: Uncertain significance for Hereditary cancer-predisposing syndrome. Last evaluated: 2025-10-29. Review status: criteria provided, single submitter. Criteria: Ambry Variant Classification Scheme 2023. Collection method: clinical testing. Allele origin: germline.
Comment: The p.V552I variant (also known as c.1654G>A), located in coding exon 11 of the CTNNA1 gene, results from a G to A substitution at nucleotide position 1654. The valine at codon 552 is replaced by isoleucine, an amino acid with highly similar properties. This amino acid position is conserved. In addition, this alteration is predicted to be tolerated by in silico analysis. Since supporting evidence is limited at this time, the clinical significance of this alteration remains unclear.

Labcorp Genetics (formerly Invitae), Labcorp
Classification: Uncertain significance. Last evaluated: 2023-12-27. Review status: criteria provided, single submitter. Criteria: Invitae Variant Classification Sherloc (09022015). Collection method: clinical testing. Allele origin: germline.
Comment: This sequence change replaces valine, which is neutral and non-polar, with isoleucine, which is neutral and non-polar, at codon 552 of the CTNNA1 protein (p.Val552Ile). This variant is not present in population databases (gnomAD no frequency). This variant has not been reported in the literature in individuals affected with CTNNA1-related conditions. ClinVar contains an entry for this variant (Variation ID: 1777319). Advanced modeling of protein sequence and biophysical properties (such as structural, functional, and spatial information, amino acid conservation, physicochemical variation, residue mobility, and thermodynamic stability) performed at Invitae indicates that this missense variant is not expected to disrupt CTNNA1 protein function with a negative predictive value of 80%. In summary, the available evidence is currently insufficient to determine the role of this variant in disease. Therefore, it has been classified as a Variant of Uncertain Significance.

NM_001903.5(CTNNA1):c.1654G>A (p.Val552Ile)

Gene: CTNNA1 (catenin alpha 1; plus strand). Cytogenetic location: 5q31.2.
Variant type: single nucleotide variant.
Coding change: c.1654G>A on transcript NM_001903.5 (MANE Select); coding-DNA position 1654, G replaced by A.
Protein change: p.Val552Ile; replaces valine 552 with isoleucine.
Molecular consequence: missense variant.
Genome position (GRCh38, 1-based): chr5:138,924,617, G>A. VCF-style: chr5-138924617-G-A. GRCh37 (hg19) VCF-style: chr5-138260306-G-A.
Other names: c.1654G>A, p.Val552Ile (NM_001323985.2, NM_001290307.3, NM_001323982.2 and 2 more transcripts); c.1561G>A, p.Val521Ile (NM_001323986.2); c.544G>A, p.Val182Ile (NM_001323987.1, NM_001323988.1, NM_001323989.1 and 17 more transcripts); c.205G>A, p.Val69Ile (NM_001324006.1, NM_001324007.1, NM_001324008.1 and 2 more transcripts); c.451G>A, p.Val151Ile (NM_001324011.1); c.301G>A, p.Val101Ile (NM_001324012.1, NM_001324013.1); c.1345G>A, p.Val449Ile (NM_001290309.3); c.1285G>A, p.Val429Ile (NM_001290310.3); short protein forms V101I, V151I, V429I, V449I, V69I, V182I, V521I, V552I.
Identifiers: ClinVar variation 1777319 (VCV001777319.6), dbSNP rs2533711416, ClinGen allele CA361131902.